The following is an entry in ClinVar:

NM_006231.4(POLE):c.6747+2T>G

Gene: POLE (DNA polymerase epsilon, catalytic subunit; minus strand). Cytogenetic location: 12q24.33.
Variant type: single nucleotide variant.
Coding change: c.6747+2T>G on transcript NM_006231.4 (MANE Select); the canonical splice donor site of the intron after coding-DNA position 6747, T replaced by G.
Molecular consequence: splice donor variant.
Genome position (GRCh38, 1-based): chr12:132,624,903, A>C on the plus strand (T>G on the coding strand, the complement: POLE is on the minus strand). VCF-style: chr12-132624903-A-C. GRCh37 (hg19) VCF-style: chr12-133201489-A-C.
Other names: c.6747+2T>G (NM_006231.2).
Identifiers: ClinVar variation 572739 (VCV000572739.8), dbSNP rs1566307058, ClinGen allele CA387365963.

ClinVar aggregate classification (germline): Uncertain significance. Review status: criteria provided, multiple submitters, no conflicts (2 of 4 stars). 2 submissions from 2 submitters: Uncertain significance (2). Last evaluated 2026-03-24.

Conditions:
Hereditary cancer-predisposing syndrome. Also called: Tumor predisposition; Hereditary Cancer Syndrome; Neoplastic Syndromes, Hereditary; Hereditary neoplastic syndrome. Identifiers: Orphanet 140162, MedGen C0027672, MeSH D009386, MONDO:0015356.

Submissions (2):

Ambry Genetics
Classification: Uncertain significance for Hereditary cancer-predisposing syndrome. Last evaluated: 2026-03-24. Review status: criteria provided, single submitter. Criteria: Ambry Variant Classification Scheme 2023. Collection method: clinical testing. Allele origin: germline.
Comment: The c.6747+2T>G intronic variant results from a T to G substitution two nucleotides after coding exon 48 in the POLE gene. Variants that disrupt the canonical splice site are expected to result in aberrant splicing. In silico splice site analysis predicts that this alteration will weaken the native splice donor site. A resulting transcript is predicted to be in-frame and is not expected to trigger nonsense-mediated mRNA decay. RNA studies have demonstrated that this variant results in a transcript predicted to lead to a protein with an in-frame deletion of 30 amino acids; however, the exact functional impact of the deleted amino acids is unknown at this time (Ambry internal data). This nucleotide position is highly conserved in available vertebrate species. Based on the available evidence, the clinical significance of this variant remains unclear.

Labcorp Genetics (formerly Invitae), Labcorp
Classification: Uncertain significance. Last evaluated: 2021-05-02. Review status: criteria provided, single submitter. Criteria: Invitae Variant Classification Sherloc (09022015). Collection method: clinical testing. Allele origin: germline.
Comment: This sequence change affects a donor splice site in the last intron (intron 48) of the POLE gene. While this is not anticipated to result in nonsense mediated decay, it likely alters RNA splicing and results in a disrupted protein product. This variant is not present in population databases (ExAC no frequency). This variant has not been reported in the literature in individuals with POLE-related disease. Missense variants that disrupt the 3'-5' exonuclease (proof-reading) activity of the POLE protein, while not abolishing its polymerase enzyme activity, are associated with an increased risk for colonic adenomatous polyps and colon cancer (PMID: 23263490, 23447401). Loss-of-function variants, which result in an absent or severely disrupted POLE protein, are therefore unlikely to be associated with disease. Without further clinical and genetic evidence, however, this variant has been classified as a Variant of Uncertain Significance.

Literature cited by the submitters: PubMed 23263490 (cited by Labcorp Genetics (formerly Invitae), Labcorp); PubMed 23447401 (cited by Labcorp Genetics (formerly Invitae), Labcorp).